The following is an entry in ClinVar:

NM_002139.4(RBMX):c.296C>T (p.Pro99Leu)

Gene: RBMX (RNA binding motif protein X-linked; minus strand). Cytogenetic location: Xq26.3.
Variant type: single nucleotide variant.
Coding change: c.296C>T on transcript NM_002139.4 (MANE Select); coding-DNA position 296, C replaced by T.
Protein change: p.Pro99Leu; replaces proline 99 with leucine.
Molecular consequence: missense variant. On other transcripts: non-coding transcript variant (1), intron variant (1).
Genome position (GRCh38, 1-based): chrX:136,878,007, G>A on the plus strand (C>T on the coding strand, the complement: RBMX is on the minus strand). VCF-style: chrX-136878007-G-A. GRCh37 (hg19) VCF-style: chrX-135960166-G-A.
Other names: c.216+1010C>T (NM_001164803.2); short protein forms P99L.
Identifiers: ClinVar variation 1701790 (VCV001701790.3), dbSNP rs1241455828, ClinGen allele CA414764857.
Genomic context (GRCh38, chrX:136,878,007, plus strand): 5'-GTTCCTCCACTTCCTCCTCTTCCACCTCTAAGACCTCTTGGAGGGCCTCTACTTCTTGGA[G>A]GTGGAGGCGGTCCACGTCTACCACTTTCAAATGATGGTTTGGTGGCTTGTTCCACCTTGA-3'
Protein context (NP_002130.2, residues 89-109): FESGRRGPPP[Pro99Leu]PRSRGPPRGL

ClinVar aggregate classification (germline): Uncertain significance (1 of 4 stars; one submission).

Conditions:
Inborn genetic diseases. Identifiers: MedGen C0950123, MeSH D030342.
Intellectual developmental disorder, X-linked, syndromic, Shashi type. Also called: SHASHI X-LINKED MENTAL RETARDATION SYNDROME; INTELLECTUAL DEVELOPMENTAL DISORDER, X-LINKED, SYNDROMIC 11; Syndromic X-linked intellectual disability Shashi type. Identifiers: Orphanet 85286, MedGen C1846145, MONDO:0010277, OMIM 300238.

Allele frequency attached by ClinVar (database versions not stated): gnomAD exomes below 0.00001; TOPMed 0.00001; gnomAD 0.00001.
gnomAD v4.1: 4 of 1,208,328 alleles (0.00033%); highest among the groups gnomAD compares: Non-Finnish European, 0.00045%; no homozygotes.

Submission:

Ambry Genetics
Classification: Uncertain significance for Inborn genetic diseases. Last evaluated: 2024-05-30. Review status: criteria provided, single submitter. Criteria: Ambry Variant Classification Scheme 2023. Collection method: clinical testing. Allele origin: germline.